The following is an entry in ClinVar:

ClinVar aggregate classification (germline): Pathogenic. Review status: criteria provided, multiple submitters, no conflicts (2 of 4 stars). 2 submissions from 2 submitters: Pathogenic (2). Last evaluated 2023-06-21.

Conditions:
Long QT syndrome (LQTS). Identifiers: MedGen C0023976, MeSH D008133, MONDO:0002442. Disease mechanism: loss of function. Inheritance: Various modes of inheritance.
Cardiac arrhythmia. Also called: Cardiac rhythm disease; Arrhythmia. Identifiers: MedGen C0003811, MONDO:0007263, HP:0011675.

Submissions (2):

Labcorp Genetics (formerly Invitae), Labcorp
Classification: Pathogenic for Long QT syndrome. Last evaluated: 2023-06-21. Review status: criteria provided, single submitter. Criteria: Invitae Variant Classification Sherloc (09022015). Collection method: clinical testing. Allele origin: germline.
Comment: This variant is not present in population databases (gnomAD no frequency). For these reasons, this variant has been classified as Pathogenic. ClinVar contains an entry for this variant (Variation ID: 200705). This variant has not been reported in the literature in individuals affected with KCNH2-related conditions. This sequence change creates a premature translational stop signal (p.Val1038Glyfs*22) in the KCNH2 gene. It is expected to result in an absent or disrupted protein product. Loss-of-function variants in KCNH2 are known to be pathogenic (PMID: 10973849, 19862833).

GeneDx
Classification: Pathogenic for Cardiac arrhythmia. Last evaluated: 2012-10-19. Review status: criteria provided, single submitter. Criteria: GeneDx Variant Classification (06012015). Collection method: clinical testing. Allele origin: germline. Affected: yes.
Comment: c.3105_3112dupGGGCGACG: p.Val1038GlyfsX22 (V1038GfsX22) in exon 13 of the KCNH2 (aka HERG) gene (NM_000238.2). The normal sequence with the bases that are inserted in braces is: GACG{GGGCGACG}TGGA.Although the c.3105_3112dupGGGCGACG mutation in the KCNH2 gene has not been reported to our knowledge, this mutation causes a shift in reading frame starting at codon Valine 1038, changing it to a Glycine, and creating a premature stop codon at position 22 of the new reading frame, denoted p.Val1038GlyfsX22. This mutation is expected to result in an abnormal, truncated protein product. Other frameshift mutations in the KCNH2 gene have been reported in association with LQTS. In summary, c.3105_3112dupGGGCGACG in the KCNH2 gene is interpreted as a disease-causing mutation. The variant is found in LQT panel(s).

Literature cited by the submitters: PubMed 10973849 (cited by Labcorp Genetics (formerly Invitae), Labcorp); PubMed 19862833 (cited by Labcorp Genetics (formerly Invitae), Labcorp).

NM_000238.4(KCNH2):c.3105_3112dup (p.Val1038fs)

Gene: KCNH2 (potassium voltage-gated channel subfamily H member 2; minus strand). Cytogenetic location: 7q36.1.
Variant type: Duplication.
Coding change: c.3105_3112dup on transcript NM_000238.4 (MANE Select); coding-DNA positions 3105 to 3112, 8 bases duplicated (GGGCGACG; older notation c.3105_3112dupGGGCGACG).
Protein change: p.Val1038fs; shifts the reading frame from valine 1038.
Molecular consequence: frameshift variant.
Genome position (GRCh38, 1-based): chr7:150,947,368-150,947,375, CGTCGCCC duplicated on the plus strand (GGGCGACG on the coding strand, the reverse complement: KCNH2 is on the minus strand); duplicating any 8 consecutive bases within chr7:150,947,368-150,947,377 gives the same sequence; the c. name uses the placement nearest the transcript's 3' end. VCF-style (leftmost placement, unchanged base first): chr7-150947367-A-ACGTCGCCC. GRCh37 (hg19) VCF-style: chr7-150644455-A-ACGTCGCCC.
Other names: c.2085_2092dup, p.Val698fs (NM_172057.3); c.3105_3112dupGGGCGACG (NM_000238.3); short protein forms V1038fs, V698fs.
Identifiers: ClinVar variation 200705 (VCV000200705.9), dbSNP rs794728470, ClinGen allele CA305338.